The following is an entry in ClinVar:

NM_001267550.2(TTN):c.96432G>T (p.Lys32144Asn)

Genes: TTN (titin; minus strand), TTN-AS1 (TTN antisense RNA 1; plus strand), LOC126806421 (CDK7 strongly-dependent group 2 enhancer GRCh37_chr2:179407630-179408829; plus strand). Cytogenetic location: 2q31.2.
Variant type: single nucleotide variant.
Coding change: c.96432G>T on transcript NM_001267550.2 (MANE Select); coding-DNA position 96432, G replaced by T.
Protein change: p.Lys32144Asn; replaces lysine 32144 with asparagine.
Molecular consequence: missense variant.
Genome position (GRCh38, 1-based): chr2:178,543,541, C>A on the plus strand (G>T on the coding strand, the complement: TTN is on the minus strand). VCF-style: chr2-178543541-C-A. GRCh37 (hg19) VCF-style: chr2-179408268-C-A.
Other names: c.91509G>T, p.Lys30503Asn (NM_001256850.1); c.69237G>T, p.Lys23079Asn (NM_003319.4); c.88728G>T, p.Lys29576Asn (NM_133378.4); c.69612G>T, p.Lys23204Asn (NM_133432.3); c.69813G>T, p.Lys23271Asn (NM_133437.4); short protein forms K23271N, K30503N, K29576N, K32144N, K23079N, K23204N.
Identifiers: ClinVar variation 1756177 (VCV001756177.2), dbSNP rs768078237, ClinGen allele CA1986753.

ClinVar aggregate classification (germline): Uncertain significance (1 of 4 stars; one submission).

Conditions:
Cardiovascular phenotype. Identifiers: MedGen CN230736.

Allele frequency attached by ClinVar (database versions not stated): TOPMed 0.00001; gnomAD 0.00002; gnomAD exomes 0.00003; ExAC 0.00008.
gnomAD v4.1: 46 of 1,612,528 alleles (0.0029%); highest among the groups gnomAD compares: Middle Eastern, 0.016%; no homozygotes.

Submission:

Ambry Genetics
Classification: Uncertain significance for Cardiovascular phenotype. Last evaluated: 2020-03-25. Review status: criteria provided, single submitter. Criteria: Ambry Variant Classification Scheme 2023. Collection method: clinical testing. Allele origin: germline.
Comment: The p.K23079N variant (also known as c.69237G>T), located in coding exon 174 of the TTN gene, results from a G to T substitution at nucleotide position 69237. The lysine at codon 23079 is replaced by asparagine, an amino acid with similar properties. This amino acid position is well conserved in available vertebrate species. In addition, this alteration is predicted to be tolerated by in silico analysis. Since supporting evidence is limited at this time, the clinical significance of this alteration remains unclear.